The following is an entry in ClinVar:

ClinVar aggregate classification (germline): Likely benign (1 of 4 stars; one submission).

Conditions:
Lung cancer. Also called: Lung cancer, somatic; Malignant tumor of lung. Identifiers: MedGen C0242379, MONDO:0008903, OMIM 211980.

Submission:

Myriad Genetics, Inc.
Classification: Likely benign for Lung cancer. Last evaluated: 2024-10-17. Review status: criteria provided, single submitter. Criteria: Myriad Autosomal Dominant, Autosomal Recessive and X-Linked Classification Criteria (2023). Collection method: clinical testing. Allele origin: unknown.
Comment: This variant is considered likely benign. This variant is intronic and is not expected to impact mRNA splicing.

NM_005228.5(EGFR):c.2470-6T>C

Gene: EGFR (epidermal growth factor receptor; plus strand). Cytogenetic location: 7p11.2.
Variant type: single nucleotide variant.
Coding change: c.2470-6T>C on transcript NM_005228.5 (MANE Select); 6 bases into the intron before coding-DNA position 2470, T replaced by C.
Molecular consequence: intron variant.
Genome position (GRCh38, 1-based): chr7:55,191,713, T>C. VCF-style: chr7-55191713-T-C. GRCh37 (hg19) VCF-style: chr7-55259406-T-C.
Other names: c.2335-6T>C (NM_001346899.2, NM_001346897.2); c.1669-6T>C (NM_001346941.2); c.2470-6T>C (NM_001346898.2); c.2311-6T>C (NM_001346900.2).
Identifiers: ClinVar variation 3773237 (VCV003773237.1).